The following is an entry in ClinVar:

NM_001199799.2(ILDR1):c.2T>C (p.Met1Thr)

Gene: ILDR1 (immunoglobulin like domain containing receptor 1; minus strand). Cytogenetic location: 3q13.33.
Variant type: single nucleotide variant.
Coding change: c.2T>C on transcript NM_001199799.2 (MANE Select); coding-DNA position 2, T replaced by C.
Protein change: p.Met1Thr; changes the start codon (methionine 1).
Molecular consequence: missense variant, initiator codon variant.
Genome position (GRCh38, 1-based): chr3:122,022,076, A>G on the plus strand (T>C on the coding strand, the complement: ILDR1 is on the minus strand). VCF-style: chr3-122022076-A-G. GRCh37 (hg19) VCF-style: chr3-121740923-A-G.
Other names: c.2T>C, p.Met1Thr (NM_001199800.2, NM_175924.4); short protein forms M1T.
Identifiers: ClinVar variation 3253316 (VCV003253316.1), dbSNP rs1194633608.

ClinVar aggregate classification (germline): Pathogenic (1 of 4 stars; one submission).

Allele frequency attached by ClinVar (database versions not stated): gnomAD exomes below 0.00001; TOPMed below 0.00001; gnomAD 0.00001.

Submission:

GeneDx
Classification: Pathogenic. Last evaluated: 2024-01-25. Review status: criteria provided, single submitter. Criteria: GeneDx Variant Classification Process June 2021. Collection method: clinical testing. Allele origin: germline. Affected: yes.
Comment: Initiation codon variant in a gene for which loss-of-function is a known mechanism of disease; Not observed at a significant frequency in large population cohorts (gnomAD); Has not been previously published as pathogenic or benign to our knowledge